The following is an entry in ClinVar:

NM_004168.4(SDHA):c.704T>C (p.Ile235Thr)

Gene: SDHA (succinate dehydrogenase complex flavoprotein subunit A; plus strand). Cytogenetic location: 5p15.33.
Variant type: single nucleotide variant.
Coding change: c.704T>C on transcript NM_004168.4 (MANE Select); coding-DNA position 704, T replaced by C.
Protein change: p.Ile235Thr; replaces isoleucine 235 with threonine.
Molecular consequence: missense variant.
Genome position (GRCh38, 1-based): chr5:228,267, T>C. VCF-style: chr5-228267-T-C. GRCh37 (hg19) VCF-style: chr5-228382-T-C.
Other names: c.560T>C, p.Ile187Thr (NM_001294332.2); c.704T>C, p.Ile235Thr (NM_001330758.2); short protein forms I235T, I187T.
Identifiers: ClinVar variation 221076 (VCV000221076.35), dbSNP rs144513891, ClinGen allele CA348232.
Genomic context (GRCh38, chr5:228,267, plus strand): 5'-ATTTTGTGGAGTATTTTGCCTTGGATCTCCTGATGGAGAATGGGGAGTGCCGTGGTGTCA[T>C]CGCACTGTGCATAGAGGACGGGTCCATCCATCGCATAAGAGCAAAGAACACTGTTGTTGC-3'
Protein context (NP_004159.2, residues 225-245): LMENGECRGV[Ile235Thr]ALCIEDGSIH

ClinVar aggregate classification (germline): Uncertain significance. Review status: criteria provided, multiple submitters, no conflicts (2 of 4 stars). 11 submissions from 11 submitters: Uncertain significance (10). 1 of the submissions does not count toward it. Last evaluated 2026-02-03.

Conditions:
Neurodegeneration with ataxia and late-onset optic atrophy. Identifiers: MedGen C5543254, MONDO:0031006, OMIM 619259.
Mitochondrial complex II deficiency, nuclear type 1. Also called: SUCCINATE CoQ REDUCTASE DEFICIENCY. Identifiers: Orphanet 3208, MedGen C5700310, MONDO:0100294, OMIM 252011.
Pheochromocytoma/paraganglioma syndrome 5. Also called: Paragangliomas 5; SDHA-Related Hereditary Paraganglioma-Pheochromocytoma Syndrome. Identifiers: Orphanet 29072, MedGen C3279992, MONDO:0013602, OMIM 614165.
Dilated cardiomyopathy 1GG (CMD1GG). Identifiers: Orphanet 154, MedGen C3150898, MONDO:0013339, OMIM 613642.
Hereditary cancer-predisposing syndrome. Also called: Hereditary Cancer Syndrome; Hereditary neoplastic syndrome; Neoplastic Syndromes, Hereditary; Tumor predisposition. Identifiers: Orphanet 140162, MedGen C0027672, MeSH D009386, MONDO:0015356.
Leigh syndrome (NULS). Also called: Leigh's syndrome; LEIGH SYNDROME, NUCLEAR; Leigh's necrotizing encephalopathy; Leigh's disease; Leigh Syndrome (mtDNA deletion); Leigh Disease. Identifiers: Orphanet 506, MedGen C2931891, MONDO:0009723, OMIM 256000.

Allele frequency attached by ClinVar (database versions not stated): gnomAD exomes 0.00010; TOPMed 0.00012; ESP Exome Variant Server 0.00015; gnomAD 0.00015; ExAC 0.00008.
gnomAD v4.1: 167 of 1,613,824 alleles (0.01%); highest among the groups gnomAD compares: Middle Eastern, 0.066%; no homozygotes.

Submissions (11):

Labcorp Genetics (formerly Invitae), Labcorp
Classification: Uncertain significance for Pheochromocytoma/paraganglioma syndrome 5; Mitochondrial complex II deficiency, nuclear type 1. Last evaluated: 2026-02-03. Review status: criteria provided, single submitter. Criteria: Invitae Variant Classification Sherloc (09022015). Collection method: clinical testing. Allele origin: germline.
Comment: This sequence change replaces isoleucine, which is neutral and non-polar, with threonine, which is neutral and polar, at codon 235 of the SDHA protein (p.Ile235Thr). This variant is present in population databases (rs144513891, gnomAD 0.02%). This variant has not been reported in the literature in individuals affected with SDHA-related conditions. ClinVar contains an entry for this variant (Variation ID: 221076). Invitae Evidence Modeling of protein sequence and biophysical properties (such as structural, functional, and spatial information, amino acid conservation, physicochemical variation, residue mobility, and thermodynamic stability) indicates that this missense variant is not expected to disrupt SDHA protein function with a negative predictive value of 95%. In summary, the available evidence is currently insufficient to determine the role of this variant in disease. Therefore, it has been classified as a Variant of Uncertain Significance.

Quest Diagnostics Nichols Institute San Juan Capistrano
Classification: Uncertain significance. Last evaluated: 2025-09-25. Review status: criteria provided, single submitter. Criteria: Quest Diagnostics criteria. Collection method: clinical testing. Allele origin: unknown.
Comment: The SDHA c.704T>C (p.Ile235Thr) variant has been reported in an individual with Cushing's disease (PMID: 36149413 (2022)) and Leigh syndrome (PMID: 33332384 (2020)). The frequency of this variant in the general population (Genome Aggregation Database) is uninformative in the assessment of its pathogenicity. Analysis of this variant using bioinformatics tools for the prediction of the effect of amino acid changes on protein structure and function yielded predictions that this variant is damaging. Based on the available information, we are unable to determine the clinical significance of this variant.

GeneDx
Classification: Uncertain significance. Last evaluated: 2025-01-02. Review status: criteria provided, single submitter. Criteria: GeneDx Variant Classification Process June 2021. Collection method: clinical testing. Allele origin: germline. Affected: yes.
Comment: In silico analysis supports that this missense variant has a deleterious effect on protein structure/function; This variant is associated with the following publications: (PMID: 24448499, 36149413, 28873162)

Ambry Genetics
Classification: Uncertain significance for Hereditary cancer-predisposing syndrome. Last evaluated: 2024-11-05. Review status: criteria provided, single submitter. Criteria: Ambry Variant Classification Scheme 2023. Collection method: clinical testing. Allele origin: germline.
Comment: The p.I235T variant (also known as c.704T>C), located in coding exon 6 of the SDHA gene, results from a T to C substitution at nucleotide position 704. The isoleucine at codon 235 is replaced by threonine, an amino acid with similar properties. This amino acid position is highly conserved in available vertebrate species. In addition, this alteration is predicted to be deleterious by in silico analysis. Based on the available evidence, the clinical significance of this variant remains unclear.

Molecular Pathology, Peter Maccallum Cancer Centre
Classification: Uncertain significance for Pheochromocytoma/paraganglioma syndrome 5. Last evaluated: 2024-10-10. Review status: criteria provided, single submitter. Criteria: ACMG Guidelines, 2015. Collection method: clinical testing. Allele origin: germline. Inheritance: Autosomal dominant inheritance.

Baylor Genetics
Classification: Uncertain significance for Dilated cardiomyopathy 1GG. Last evaluated: 2024-03-21. Review status: criteria provided, single submitter. Criteria: ACMG Guidelines, 2015. Collection method: clinical testing. Allele origin: unknown.

Myriad Genetics, Inc.
Classification: Uncertain significance for Pheochromocytoma/paraganglioma syndrome 5. Last evaluated: 2023-04-24. Review status: criteria provided, single submitter. Criteria: Myriad Autosomal Dominant, Autosomal Recessive and X-Linked Classification Criteria (2023). Collection method: clinical testing. Allele origin: unknown.
Comment: This variant is classified as a variant of uncertain significance as there is insufficient evidence to determine its impact on protein function and/or cancer risk.

Fulgent Genetics
Classification: Uncertain significance for Mitochondrial complex II deficiency, nuclear type 1; Dilated cardiomyopathy 1GG; Pheochromocytoma/paraganglioma syndrome 5; Neurodegeneration with ataxia and late-onset optic atrophy. Last evaluated: 2021-09-14. Review status: criteria provided, single submitter. Criteria: ACMG Guidelines, 2015. Collection method: clinical testing. Allele origin: unknown.

Sema4
Classification: Uncertain significance for Hereditary cancer-predisposing syndrome. Last evaluated: 2021-07-07. Review status: criteria provided, single submitter. Criteria: Sema4 Curation Guidelines. Collection method: curation. Allele origin: germline.
Comment: The SDHA c.704T>C (p.Ile235Thr) variant has not been reported in the literature in individuals with SDHA-related disease. It was observed in 32/282578 chromosomes in the large and broad cohorts of the Genome Aggregation Database (PMID: 32461654). The variant has been reported in ClinVar (Variation ID 221076). This variant involves a highly conserved amino acid, and computational analyses do not provide strong support for or against an impact to the protein. The evidence is insufficient to meet ACMG/AMP criteria for classifying the variant as benign or pathogenic. Thus, the clinical significance of this variant is currently uncertain.

Centre for Mendelian Genomics, University Medical Centre Ljubljana
Classification: Uncertain significance for Leigh syndrome. Last evaluated: 2019-06-12. Review status: criteria provided, single submitter. Criteria: ACMG Guidelines, 2015. Collection method: clinical testing. Allele origin: unknown. Affected: yes.
Comment: This variant was classified as: Uncertain significance. The available evidence on this variant's pathogenicity is insufficient or conflicting. The following ACMG criteria were applied in classifying this variant: PP3.

Counsyl
Classification: Uncertain significance for Pheochromocytoma/paraganglioma syndrome 5. Last evaluated: 2016-10-13. Review status: no assertion criteria provided. Collection method: clinical testing. Allele origin: unknown. Not counted in ClinVar's aggregate classification.

Literature cited by the submitters: PubMed 36149413 (cited by Quest Diagnostics Nichols Institute San Juan Capistrano); PubMed 24448499 (cited by Quest Diagnostics Nichols Institute San Juan Capistrano and Counsyl); PubMed 33332384 (cited by Quest Diagnostics Nichols Institute San Juan Capistrano).